The following is an entry in ClinVar:

NM_002291.3(LAMB1):c.361G>A (p.Val121Ile)

Gene: LAMB1 (laminin subunit beta 1; minus strand). Cytogenetic location: 7q31.1.
Variant type: single nucleotide variant.
Coding change: c.361G>A on transcript NM_002291.3 (MANE Select); coding-DNA position 361, G replaced by A.
Protein change: p.Val121Ile; replaces valine 121 with isoleucine.
Molecular consequence: missense variant.
Genome position (GRCh38, 1-based): chr7:107,994,949, C>T on the plus strand (G>A on the coding strand, the complement: LAMB1 is on the minus strand). VCF-style: chr7-107994949-C-T. GRCh37 (hg19) VCF-style: chr7-107635394-C-T.
Other names: short protein forms V121I.
Identifiers: ClinVar variation 2050759 (VCV002050759.4), dbSNP rs2535523922, ClinGen allele CA368886259.
Genomic context (GRCh38, chr7:107,994,949, plus strand): 5'-TGAAAGTCATTATGAGATGAGTAAAATGGAATTCTGCTTCCAAATCCAGTTGGATAGTTA[C>T]ATTTTCCACACCTACAGGAGATTTAAAAAAAATAAAACAATAAATGAAACTGTAAATAGA-3'
Protein context (NP_002282.2, residues 111-131): WWQSENGVEN[Val121Ile]TIQLDLEAEF

ClinVar aggregate classification (germline): Uncertain significance (1 of 4 stars; one submission).

Submission:

Labcorp Genetics (formerly Invitae), Labcorp
Classification: Uncertain significance. Last evaluated: 2021-12-20. Review status: criteria provided, single submitter. Criteria: Invitae Variant Classification Sherloc (09022015). Collection method: clinical testing. Allele origin: germline.
Comment: This sequence change replaces valine, which is neutral and non-polar, with isoleucine, which is neutral and non-polar, at codon 121 of the LAMB1 protein (p.Val121Ile). This variant is not present in population databases (gnomAD no frequency). This variant has not been reported in the literature in individuals affected with LAMB1-related conditions. Algorithms developed to predict the effect of missense changes on protein structure and function (SIFT, PolyPhen-2, Align-GVGD) all suggest that this variant is likely to be disruptive. In summary, the available evidence is currently insufficient to determine the role of this variant in disease. Therefore, it has been classified as a Variant of Uncertain Significance.